The following is an entry in ClinVar:

ClinVar aggregate classification (germline): Likely benign (1 of 4 stars; one submission).

Submission:

CeGaT Center for Human Genetics Tuebingen
Classification: Likely benign. Last evaluated: 2026-02-01. Review status: criteria provided, single submitter. Criteria: CeGaT Center For Human Genetics Tuebingen Variant Classification Criteria Version 2. Collection method: clinical testing. Allele origin: germline. Affected: yes. Observed: 3 variant alleles.
Comment: ARID1B: BS1

NM_001374828.1(ARID1B):c.20_21insAGCGGCGGCGGC (p.Ala14_Arg15insAlaAlaAlaAla)

Genes: ARID1B (AT-rich interaction domain 1B; plus strand), LOC115308161 (uncharacterized LOC115308161; minus strand), LOC129997522 (ATAC-STARR-seq lymphoblastoid silent region 17709; plus strand). Cytogenetic location: 6q25.3.
Variant type: Insertion.
Coding change: c.20_21insAGCGGCGGCGGC on transcript NM_001374828.1 (MANE Select); coding-DNA positions 20 to 21, AGCGGCGGCGGC inserted.
Protein change: p.Ala14_Arg15insAlaAlaAlaAla.
Genome position: GRCh38 VCF-style: chr6-156777698-A-AGCAGCGGCGGCG. GRCh37 (hg19) VCF-style: chr6-157098832-A-AGCAGCGGCGGCG.
Other names: c.20_21insAGCGGCGGCGGC, p.Ala14_Arg15insAlaAlaAlaAla (NM_001371656.1, NM_001374820.1, NM_001438482.1 and 9 more transcripts).
Identifiers: ClinVar variation 4084672 (VCV004084672.8).